The following is an entry in ClinVar:

ClinVar aggregate classification (germline): Uncertain significance (1 of 4 stars; one submission).

Submission:

GeneDx
Classification: Uncertain significance. Last evaluated: 2025-01-29. Review status: criteria provided, single submitter. Criteria: GeneDx Variant Classification Process June 2021. Collection method: clinical testing. Allele origin: germline. Affected: yes.
Comment: Not observed at significant frequency in large population cohorts (gnomAD); Has not been previously published as pathogenic or benign to our knowledge; In silico analysis is inconclusive as to whether the variant alters gene splicing. In the absence of RNA/functional studies, the actual effect of this sequence change is unknown.

NM_031263.4(HNRNPK):c.331-3C>G

Genes: HNRNPK (heterogeneous nuclear ribonucleoprotein K; minus strand), HNRNPK-AS1 (HNRNPK antisense RNA 1; plus strand). Cytogenetic location: 9q21.32.
Variant type: single nucleotide variant.
Coding change: c.331-3C>G on transcript NM_031263.4 (MANE Select); 3 bases into the intron before coding-DNA position 331, C replaced by G.
Molecular consequence: intron variant.
Genome position (GRCh38, 1-based): chr9:83,973,976, G>C on the plus strand (C>G on the coding strand, the complement: HNRNPK is on the minus strand). VCF-style: chr9-83973976-G-C. GRCh37 (hg19) VCF-style: chr9-86588891-G-C.
Other names: c.331-3C>G (NM_031262.4, NM_002140.5, NM_001318188.2); c.330+541C>G (NM_001318186.2, NM_001318187.2).
Identifiers: ClinVar variation 2507323 (VCV002507323.2), dbSNP rs2491991006, ClinGen allele CA2580616226.
Genomic context (GRCh38, chr9:83,973,976, plus strand): 5'-CAGCATCAGATTCGAGCGGGAGCTGGCTGGTTGCAGTGGGTGATGGCAACTGCAGGCCCT[G>C]AAAGTAGAAAAATAAGAGTAATAGGTTAAGTGTCTAGCGTGATCAGGCTATTGTCGCATA-3'